The following is an entry in ClinVar:

NM_000138.5(FBN1):c.3571G>A (p.Asp1191Asn)

Gene: FBN1 (fibrillin 1; minus strand). Cytogenetic location: 15q21.1.
Variant type: single nucleotide variant.
Coding change: c.3571G>A on transcript NM_000138.5 (MANE Select); coding-DNA position 3571, G replaced by A.
Protein change: p.Asp1191Asn; replaces aspartic acid 1191 with asparagine.
Molecular consequence: missense variant.
Genome position (GRCh38, 1-based): chr15:48,487,093, C>T on the plus strand (G>A on the coding strand, the complement: FBN1 is on the minus strand). VCF-style: chr15-48487093-C-T. GRCh37 (hg19) VCF-style: chr15-48779290-C-T.
Other names: short protein forms D1191N.
Identifiers: ClinVar variation 222603 (VCV000222603.15), dbSNP rs370121450, ClinGen allele CA051096.
Genomic context (GRCh38, chr15:48,487,093, plus strand): 5'-AGTAAAATAAAATAAAATAAAATAAAATAAAAAAGAACTTACCAACACAAAATAGCCTAT[C>T]GGGAGTTGAATGGTAGCCAGGGTTGCAGGCACACTGATACTTCCCTATGAGGTTCACGCA-3'
Protein context (NP_000129.3, residues 1181-1201): ACNPGYHSTP[Asp1191Asn]RLFCVDIDEC

ClinVar aggregate classification (germline): Conflicting classifications of pathogenicity. Review status: criteria provided, conflicting classifications (1 of 4 stars). 4 submissions from 4 submitters: Uncertain significance (2); Benign (1); Likely benign (1). Last evaluated 2025-11-18.

Conditions:
Marfan syndrome (MFS). Also called: MARFAN SYNDROME, TYPE I; FBN1-Related Marfan Syndrome; Marfan syndrome, classic; Marfan syndrome type 1; Marfan's syndrome. Identifiers: Orphanet 284963, Orphanet 558, MedGen C0024796, MONDO:0007947, OMIM 154700.
Familial thoracic aortic aneurysm and aortic dissection (TAAD). Also called: Thoracic aortic aneurysms and dissections. Identifiers: Orphanet 91387, MedGen C4707243, MONDO:0019625.

Allele frequency attached by ClinVar (database versions not stated): ExAC 0.00001; gnomAD exomes 0.00001; TOPMed 0.00001; gnomAD 0.00001; ESP Exome Variant Server 0.00008.
gnomAD v4.1: 7 of 1,613,214 alleles (0.00043%); highest among the groups gnomAD compares: East Asian, 0.0022%; no homozygotes.

Submissions (4):

Labcorp Genetics (formerly Invitae), Labcorp
Classification: Likely benign for Marfan syndrome; Familial thoracic aortic aneurysm and aortic dissection. Last evaluated: 2025-11-18. Review status: criteria provided, single submitter. Criteria: Invitae Variant Classification Sherloc (09022015). Collection method: clinical testing. Allele origin: germline.

All of Us Research Program, National Institutes of Health
Classification: Uncertain significance for Marfan syndrome. Last evaluated: 2023-10-27. Review status: criteria provided, single submitter. Criteria: ACMG Guidelines, 2015. Collection method: clinical testing. Allele origin: germline. Inheritance: Autosomal dominant inheritance. Observed: 4 variant alleles, 4 heterozygotes.
Comment: This missense variant replaces aspartic acid with asparagine at codon 1191 of the FBN1 protein. Computational prediction suggests that this variant may not impact protein structure and function (internally defined REVEL score threshold <= 0.5, PMID: 27666373). To our knowledge, functional studies have not been reported for this variant. This variant has been reported in an individual affected with fusiform intracranial aneurysm (PMID: 31538843) and in another individual affected with sporadic thoracic aortic aneurysm and dissection (PMID: 26272055). This variant has been identified in 3/276906 chromosomes in the general population by the Genome Aggregation Database (gnomAD). The available evidence is insufficient to determine the role of this variant in disease conclusively. Therefore, this variant is classified as a Variant of Uncertain Significance.

This study involves interpretation of variants in research participants for the purpose of population health screening. Participant phenotype was not available at the time of variant classification. Additional details can be found in publication PMID: 35346344, PMCID: PMC8962531

Color Diagnostics, LLC DBA Color Health
Classification: Uncertain significance for Familial thoracic aortic aneurysm and aortic dissection. Last evaluated: 2023-06-23. Review status: criteria provided, single submitter. Criteria: ACMG Guidelines, 2015. Collection method: clinical testing. Allele origin: germline.
Comment: This missense variant replaces aspartic acid with asparagine at codon 1191 of the FBN1 protein. Computational prediction suggests that this variant may not impact protein structure and function (internally defined REVEL score threshold <= 0.5, PMID: 27666373). To our knowledge, functional studies have not been reported for this variant. This variant has been reported in an individual affected with fusiform intracranial aneurysm (PMID: 31538843) and in another individual affected with sporadic thoracic aortic aneurysm and dissection (PMID: 26272055). This variant has been identified in 3/276906 chromosomes in the general population by the Genome Aggregation Database (gnomAD). The available evidence is insufficient to determine the role of this variant in disease conclusively. Therefore, this variant is classified as a Variant of Uncertain Significance.

Mendelics
Classification: Benign for Marfan syndrome. Last evaluated: 2019-05-28. Review status: criteria provided, single submitter. Criteria: Mendelics Assertion Criteria 2017. Collection method: clinical testing. Allele origin: unknown.

Literature cited by the submitters: PubMed 26272055 (cited by All of Us Research Program, National Institutes of Health and Color Diagnostics, LLC DBA Color Health); PubMed 31538843 (cited by All of Us Research Program, National Institutes of Health and Color Diagnostics, LLC DBA Color Health).